The following is an entry in ClinVar:

ClinVar aggregate classification (germline): Likely benign (1 of 4 stars; one submission).

Conditions:
Fabry disease. Also called: ALPHA-GALACTOSIDASE A DEFICIENCY; ANDERSON-FABRY DISEASE; CERAMIDE TRIHEXOSIDASE DEFICIENCY; GLA DEFICIENCY; HEREDITARY DYSTOPIC LIPIDOSIS; Angiokeratoma corporis diffusum. Identifiers: Orphanet 324, MedGen C0002986, MONDO:0010526, OMIM 301500, HP:0001071. Disease mechanism: Fabry disease is due to inactivating mutations in the X-linked GLA gene resulting in deficiency of the enzyme Alpha Galactosidase-A., loss of function.

Submission:

Genomenon, Inc
Classification: Likely benign for Fabry disease. Last evaluated: 2026-09-08. Review status: criteria provided, single submitter. Criteria: Genomenon Sequence Variant Interpretation Standards - Updated. Collection method: curation. Allele origin: germline. Affected: no.
Comment: GLA c.639+761G>A is an intronic variant located in intron 4. This variant has been reported in the published literature (PMID:39609713). This variant is not predicted to impact splicing. In conclusion, we classify GLA c.639+761G>A as a likely benign variant.

Literature cited by the submitters: PubMed 39609713.

NM_000169.3(GLA):c.639+761G>A

Genes: GLA (galactosidase alpha; minus strand), RPL36A-HNRNPH2 (RPL36A-HNRNPH2 readthrough; plus strand). Cytogenetic location: Xq22.1.
Variant type: single nucleotide variant.
Coding change: c.639+761G>A on transcript NM_000169.3 (MANE Select); 761 bases into the intron after coding-DNA position 639, G replaced by A.
Molecular consequence: intron variant.
Genome position (GRCh38, 1-based): chrX:101,399,905, C>T on the plus strand (G>A on the coding strand, the complement: GLA is on the minus strand). VCF-style: chrX-101399905-C-T. GRCh37 (hg19) VCF-style: chrX-100654893-C-T.
Other names: c.300+4448C>T (NM_001199973.2); c.177+8083C>T (NM_001199974.2); c.762+761G>A (NM_001406747.1); c.639+761G>A (NM_001406748.1).
Identifiers: ClinVar variation 4087117 (VCV004087117.2), dbSNP rs189590152.